The following is an entry in ClinVar:

NM_020779.4(WDR35):c.1248T>G (p.Ile416Met)

Gene: WDR35 (WD repeat domain 35; minus strand). Cytogenetic location: 2p24.1.
Variant type: single nucleotide variant.
Coding change: c.1248T>G on transcript NM_020779.4 (MANE Select); coding-DNA position 1248, T replaced by G.
Protein change: p.Ile416Met; replaces isoleucine 416 with methionine.
Molecular consequence: missense variant.
Genome position (GRCh38, 1-based): chr2:19,960,561, A>C on the plus strand (T>G on the coding strand, the complement: WDR35 is on the minus strand). VCF-style: chr2-19960561-A-C. GRCh37 (hg19) VCF-style: chr2-20160322-A-C.
Other names: p.Ile427Met; c.1281T>G, p.Ile427Met (NM_001006657.2); short protein forms I427M, I416M.
Identifiers: ClinVar variation 471482 (VCV000471482.34), dbSNP rs144701688, ClinGen allele CA1543288.

ClinVar aggregate classification (germline): Conflicting classifications of pathogenicity. Review status: criteria provided, conflicting classifications (1 of 4 stars). 9 submissions from 8 submitters: Uncertain significance (1); Likely benign (7). 1 of the submissions does not count toward it. Last evaluated 2025-12-03.

Conditions:
WDR35-related disorder. Also called: WDR35-related disorders; WDR35-related condition. Identifiers: MedGen CN239419.
Cranioectodermal dysplasia 2 (CED2). Identifiers: Orphanet 1515, MedGen C3150874, MONDO:0013323, OMIM 613610.
Inborn genetic diseases. Identifiers: MedGen C0950123, MeSH D030342.
Short-rib thoracic dysplasia 7 with or without polydactyly (SRTD7). Also called: Short rib polydactyly syndrome 5; SHORT-RIB THORACIC DYSPLASIA 7 WITH POLYDACTYLY. Identifiers: Orphanet 498497, Orphanet 93271, MedGen C3279792, MONDO:0013569, OMIM 614091.

Allele frequency attached by ClinVar (database versions not stated): gnomAD exomes 0.00012 and 0.00039; ExAC 0.00057; gnomAD 0.00137 and 0.00145; ESP Exome Variant Server 0.00147; TOPMed 0.00157; 1000 Genomes Project 0.00200; 1000 Genomes Project 30x 0.00219.
gnomAD v4.1: 391 of 1,606,826 alleles (0.024%); highest among the groups gnomAD compares: African/African-American, 0.48%; 2 homozygotes.

Submissions (9):

Labcorp Genetics (formerly Invitae), Labcorp
Classification: Likely benign for Cranioectodermal dysplasia 2; Short-rib thoracic dysplasia 7 with or without polydactyly. Last evaluated: 2025-12-03. Review status: criteria provided, single submitter. Criteria: Invitae Variant Classification Sherloc (09022015). Collection method: clinical testing. Allele origin: germline.

Mayo Clinic Laboratories, Mayo Clinic
Classification: Likely benign. Last evaluated: 2025-09-19. Review status: criteria provided, single submitter. Criteria: ACMG Guidelines, 2015. Collection method: clinical testing. Allele origin: germline. Observed: 2 variant alleles.
Comment: BS1

Ambry Genetics
Classification: Uncertain significance for Inborn genetic diseases. Last evaluated: 2025-09-01. Review status: criteria provided, single submitter. Criteria: Ambry Variant Classification Scheme 2023. Collection method: clinical testing. Allele origin: germline.

ARUP Laboratories, Molecular Genetics and Genomics, ARUP Laboratories
Classification: Likely benign. Last evaluated: 2025-02-11. Review status: criteria provided, single submitter. Criteria: ARUP Molecular Germline Variant Investigation Process 2024. Collection method: clinical testing. Allele origin: germline.

GeneDx
Classification: Likely benign. Last evaluated: 2020-07-22. Review status: criteria provided, single submitter. Criteria: GeneDx Variant Classification Process June 2021. Collection method: clinical testing. Allele origin: germline. Affected: yes.
Comment: In silico analysis, which includes protein predictors and evolutionary conservation, supports that this variant does not alter protein structure/function; Has not been previously published as pathogenic or benign to our knowledge

Illumina Laboratory Services, Illumina
Classification: Likely benign for Short-rib thoracic dysplasia 7 with or without polydactyly. Last evaluated: 2018-01-13. Review status: criteria provided, single submitter. Criteria: ICSL Variant Classification Criteria 13 December 2019. Collection method: clinical testing. Allele origin: germline.
Comment: This variant was observed in the ICSL laboratory as part of a predisposition screen in an ostensibly healthy population. It had not been previously curated by ICSL or reported in the Human Gene Mutation Database (HGMD: prior to June 1st, 2018), and was therefore a candidate for classification through an automated scoring system. Utilizing variant allele frequency, disease prevalence and penetrance estimates, and inheritance mode, an automated score was calculated to assess if this variant is too frequent to cause the disease. Based on the score and internal cut-off values, a variant classified as likely benign is not then subjected to further curation. The score for this variant resulted in a classification of likely benign for this disease.

Illumina Laboratory Services, Illumina
Classification: Likely benign for Cranioectodermal dysplasia 2. Last evaluated: 2018-01-13. Review status: criteria provided, single submitter. Criteria: ICSL Variant Classification Criteria 13 December 2019. Collection method: clinical testing. Allele origin: germline.
Comment: the same text as in the submission from Illumina Laboratory Services, Illumina above.

Eurofins Ntd Llc (ga)
Classification: Likely benign. Last evaluated: 2016-11-23. Review status: criteria provided, single submitter. Criteria: EGL Classification Definitions 2015. Collection method: clinical testing. Allele origin: germline. Observed: 1 variant allele, 1 heterozygote.

PreventionGenetics, part of Exact Sciences
Classification: Likely benign for WDR35-related condition. Last evaluated: 2020-01-02. Review status: no assertion criteria provided. Collection method: clinical testing. Allele origin: germline. Not counted in ClinVar's aggregate classification.
Comment: This variant is classified as likely benign based on ACMG/AMP sequence variant interpretation guidelines (Richards et al. 2015 PMID: 25741868, with internal and published modifications).